The following is an entry in ClinVar:

ClinVar aggregate classification (germline): Uncertain significance. Review status: criteria provided, multiple submitters, no conflicts (2 of 4 stars). 2 submissions from 2 submitters: Uncertain significance (2). Last evaluated 2023-06-23.

Conditions:
Charcot-Marie-Tooth disease type 2E (CMT2E). Also called: CHARCOT-MARIE-TOOTH DISEASE, AXONAL, TYPE 2E; CHARCOT-MARIE-TOOTH NEUROPATHY, TYPE 2E. Identifiers: Orphanet 99939, MedGen C1843225, MONDO:0011894, OMIM 607684.

Allele frequency attached by ClinVar (database versions not stated): gnomAD exomes below 0.00001 and 0.00001; gnomAD 0.00001.
gnomAD v4.1: 5 of 1,613,900 alleles (0.00031%); highest among the groups gnomAD compares: Non-Finnish European, 0.00042%; no homozygotes.

Submissions (2):

GeneDx
Classification: Uncertain significance. Last evaluated: 2023-06-23. Review status: criteria provided, single submitter. Criteria: GeneDx Variant Classification Process June 2021. Collection method: clinical testing. Allele origin: germline. Affected: yes.
Comment: Not observed at significant frequency in large population cohorts (gnomAD); In silico analysis supports that this missense variant does not alter protein structure/function; Has not been previously published as pathogenic or benign to our knowledge; This variant is associated with the following publications: (PMID: 28186126)

Labcorp Genetics (formerly Invitae), Labcorp
Classification: Uncertain significance for Charcot-Marie-Tooth disease type 2E. Last evaluated: 2022-03-03. Review status: criteria provided, single submitter. Criteria: Invitae Variant Classification Sherloc (09022015). Collection method: clinical testing. Allele origin: germline.
Comment: In summary, the available evidence is currently insufficient to determine the role of this variant in disease. Therefore, it has been classified as a Variant of Uncertain Significance. Experimental studies and prediction algorithms are not available or were not evaluated, and the functional significance of this variant is currently unknown. ClinVar contains an entry for this variant (Variation ID: 851554). This variant has not been reported in the literature in individuals affected with NEFL-related conditions. This variant is present in population databases (no rsID available, gnomAD 0.0009%). This sequence change replaces glutamic acid, which is acidic and polar, with lysine, which is basic and polar, at codon 453 of the NEFL protein (p.Glu453Lys).

NM_006158.5(NEFL):c.1357G>A (p.Glu453Lys)

Gene: NEFL (neurofilament light chain; minus strand). Cytogenetic location: 8p21.2.
Variant type: single nucleotide variant.
Coding change: c.1357G>A on transcript NM_006158.5 (MANE Select); coding-DNA position 1357, G replaced by A.
Protein change: p.Glu453Lys; replaces glutamic acid 453 with lysine.
Molecular consequence: missense variant.
Genome position (GRCh38, 1-based): chr8:24,953,608, C>T on the plus strand (G>A on the coding strand, the complement: NEFL is on the minus strand). VCF-style: chr8-24953608-C-T. GRCh37 (hg19) VCF-style: chr8-24811122-C-T.
Other names: c.1357G>A (NM_006158.3); short protein forms E453K.
Identifiers: ClinVar variation 851554 (VCV000851554.7), dbSNP rs1249514180, ClinGen allele CA370620111.